The following is an entry in ClinVar:

ClinVar aggregate classification (germline): Likely benign (1 of 4 stars; one submission).

gnomAD v4.1: 362 of 1,613,726 alleles (0.022%); highest among the groups gnomAD compares: Admixed American, 0.038%; 1 homozygote.

Submission:

CeGaT Center for Human Genetics Tuebingen
Classification: Likely benign. Last evaluated: 2026-09-01. Review status: criteria provided, single submitter. Criteria: CeGaT Center For Human Genetics Tuebingen Variant Classification Criteria Version 2. Collection method: clinical testing. Allele origin: germline. Affected: yes. Observed: 1 variant allele.
Comment: PIDD1: BP4, BP7

NM_145886.4(PIDD1):c.597C>T (p.Leu199=)

Gene: PIDD1 (p53-induced death domain protein 1; minus strand). Cytogenetic location: 11p15.5.
Variant type: single nucleotide variant.
Coding change: c.597C>T on transcript NM_145886.4 (MANE Select); coding-DNA position 597, C replaced by T.
Protein change: p.Leu199=; no amino-acid change (leucine 199 retained).
Molecular consequence: synonymous variant.
Genome position (GRCh38, 1-based): chr11:803,286, G>A on the plus strand (C>T on the coding strand, the complement: PIDD1 is on the minus strand). VCF-style: chr11-803286-G-A. GRCh37 (hg19) VCF-style: chr11-803286-G-A.
Other names: c.597C>T, p.Leu199= (NM_145887.4).
Identifiers: ClinVar variation 5041019 (VCV005041019.1).
Genomic context (GRCh38, chr11:803,286, plus strand): 5'-GAGGCTGCCCAGGCCTCCAATCTCAGGAGGTAGCGTGTCCAGCAGATTCTGAGAGAGATC[G>A]AGGCGCTGCAGGGTGGATAGGGCCCCCAGTGCTGGGGGCAGCGTCTGCAGGCGGTTGTGT-3'
Protein context (NP_665893.2, residues 189-209): ALGALSTLQR[Leu199=]DLSQNLLDTL